The following is an entry in ClinVar:

NM_002473.6(MYH9):c.2041G>A (p.Gly681Ser)

Gene: MYH9 (myosin heavy chain 9; minus strand). Cytogenetic location: 22q12.3.
Variant type: single nucleotide variant.
Coding change: c.2041G>A on transcript NM_002473.6 (MANE Select); coding-DNA position 2041, G replaced by A.
Protein change: p.Gly681Ser; replaces glycine 681 with serine.
Molecular consequence: missense variant.
Genome position (GRCh38, 1-based): chr22:36,306,048, C>T on the plus strand (G>A on the coding strand, the complement: MYH9 is on the minus strand). VCF-style: chr22-36306048-C-T. GRCh37 (hg19) VCF-style: chr22-36702094-C-T.
Other names: NC_000022.10:g.36702094C>T; short protein forms G681S.
Identifiers: ClinVar variation 378216 (VCV000378216.28), dbSNP rs145241551, ClinGen allele CA10210100.
Genomic context (GRCh38, chr22:36,306,048, plus strand): 5'-TGCCCTCGAGAACACCGTTGCAGCGCAGCTGGTCCAGCACGAGATGCGGGTCCAGCTTGC[C>T]GGCCTGGAGAAGAAAACACATGCATGCGGTCTCACTTCCGTGCCTAGAACAGTCGGAGAA-3'
Protein context (NP_002464.1, residues 671-691): CIIPNHEKKA[Gly681Ser]KLDPHLVLDQ

ClinVar aggregate classification (germline): Conflicting classifications of pathogenicity. Review status: criteria provided, conflicting classifications (1 of 4 stars). 5 submissions from 4 submitters: Uncertain significance (3); Likely benign (2). Last evaluated 2025-04-14.

Conditions:
MYH9-related disorder. Identifiers: MedGen C1854520.
Macrothrombocytopenia and granulocyte inclusions with or without nephritis or sensorineural hearing loss (MATINS). Also called: BLEEDING DISORDER, PLATELET-TYPE, 6; SEBASTIAN PLATELET SYNDROME; MACROTHROMBOCYTOPENIA WITH DISPERSED LEUKOCYTIC INCLUSIONS; MACROTHROMBOCYTOPENIA, NEPHRITIS, AND DEAFNESS; MACROTHROMBOCYTOPENIA, NEPHRITIS, DEAFNESS, AND LEUKOCYTE INCLUSIONS; ALPORT SYNDROME WITH MACROTHROMBOCYTOPENIA. Identifiers: Orphanet 182050, MedGen C5200934, MONDO:0015912, OMIM 155100.
Autosomal dominant nonsyndromic hearing loss 17. Also called: Autosomal dominant nonsyndromic deafness 17; Deafness, autosomal dominant 17. Identifiers: Orphanet 90635, MedGen C1863659, MONDO:0011350, OMIM 603622.

Allele frequency attached by ClinVar (database versions not stated): gnomAD 0.00003; ExAC 0.00006; ESP Exome Variant Server 0.00015; TOPMed 0.00001.
gnomAD v4.1: 34 of 1,613,042 alleles (0.0021%); highest among the groups gnomAD compares: Middle Eastern, 0.049%; no homozygotes.

Submissions (6):

GeneDx
Classification: Uncertain significance. Last evaluated: 2025-04-14. Review status: criteria provided, single submitter. Criteria: GeneDx Variant Classification Process June 2021. Collection method: clinical testing. Allele origin: germline. Affected: yes.
Comment: Reported in a patient with chronic kidney disease in published literature; clinical information limited (PMID: 36100708); In silico analysis supports that this missense variant has a deleterious effect on protein structure/function; This variant is associated with the following publications: (PMID: 36100708)

Institute for Clinical Genetics, University Hospital TU Dresden, University Hospital TU Dresden
Classification: Likely benign for Macrothrombocytopenia and granulocyte inclusions with or without nephritis or sensorineural hearing loss. Last evaluated: 2024-12-17. Review status: criteria provided, single submitter. Criteria: ACMG Guidelines, 2015. Collection method: clinical testing. Allele origin: germline. Affected: no.
Comment: The above-mentioned missense variant in the MYH9 gene (NM_002473.6:c.2041G>A p.(Gly681Ser)) leads to an amino acid exchange in the corresponding protein due to a base exchange in the cDNA. The gene empirically shows a generally increased sensitivity to missense variants (Z-score 6.14, PMID: 27535533). The variant has been classified as unclear or likely benign 4 times in the ClinVar database. In the population database gnomAD v4.1.0, the variant is listed 34 times, 0 of which are homozygous, which is significantly higher than the population frequencies of any confirmed pathogenic MYH9 variants to date (e.g. c.2104C>T p.(Arg702Cys) or c.2105G>A p.(Arg702His))(PMID: 20301740). According to current ACMG recommendations for variant assessment (PMID 25741868), the criteria BS3, PP3, PP2 are fulfilled, resulting in an assessment as a likely benign variant (ACMG class 2).

CeGaT Center for Human Genetics Tuebingen
Classification: Uncertain significance. Last evaluated: 2024-04-01. Review status: criteria provided, single submitter. Criteria: CeGaT Center For Human Genetics Tuebingen Variant Classification Criteria Version 2. Collection method: clinical testing. Allele origin: germline. Affected: yes. Observed: 1 variant allele.
Comment: MYH9: PP3

Illumina Laboratory Services, Illumina
Classification: Likely benign for MYH9-related disorder. Last evaluated: 2018-01-13. Review status: criteria provided, single submitter. Criteria: ICSL Variant Classification Criteria 13 December 2019. Collection method: clinical testing. Allele origin: germline.
Comment: This variant was observed in the ICSL laboratory as part of a predisposition screen in an ostensibly healthy population. It had not been previously curated by ICSL or reported in the Human Gene Mutation Database (HGMD: prior to June 1st, 2018), and was therefore a candidate for classification through an automated scoring system. Utilizing variant allele frequency, disease prevalence and penetrance estimates, and inheritance mode, an automated score was calculated to assess if this variant is too frequent to cause the disease. Based on the score and internal cut-off values, a variant classified as likely benign is not then subjected to further curation. The score for this variant resulted in a classification of likely benign for this disease.

Illumina Laboratory Services, Illumina
Classification: Uncertain significance for Autosomal dominant nonsyndromic hearing loss 17. Last evaluated: 2018-01-13. Review status: criteria provided, single submitter. Criteria: ICSL Variant Classification Criteria 13 December 2019. Collection method: clinical testing. Allele origin: germline.

Dr. Peter K. Rogan Lab, Western University
No classification provided (evidence only). Condition: Melanoma. Review status: no classification provided. Collection method: in vitro. Allele origin: not applicable. Functional consequence: retained intron. Not counted in ClinVar's aggregate classification.